The following is an entry in ClinVar:

NM_002582.4(PARN):c.338T>C (p.Ile113Thr)

Gene: PARN (poly(A)-specific ribonuclease; minus strand). Cytogenetic location: 16p13.12.
Variant type: single nucleotide variant.
Coding change: c.338T>C on transcript NM_002582.4 (MANE Select); coding-DNA position 338, T replaced by C.
Protein change: p.Ile113Thr; replaces isoleucine 113 with threonine.
Molecular consequence: missense variant.
Genome position (GRCh38, 1-based): chr16:14,617,640, A>G on the plus strand (T>C on the coding strand, the complement: PARN is on the minus strand). VCF-style: chr16-14617640-A-G. GRCh37 (hg19) VCF-style: chr16-14711497-A-G.
Other names: c.155T>C, p.Ile52Thr (NM_001134477.3); c.200T>C, p.Ile67Thr (NM_001242992.2); short protein forms I52T, I67T, I113T.
Identifiers: ClinVar variation 2936012 (VCV002936012.3), dbSNP rs376765477, ClinGen allele CA7912442.

ClinVar aggregate classification (germline): Uncertain significance (1 of 4 stars; one submission).

Conditions:
Dyskeratosis congenita, autosomal recessive 6 (DKCB6). Identifiers: MedGen C4225356, MONDO:0014600, OMIM 616353.
Pulmonary fibrosis and/or bone marrow failure, Telomere-related, 4. Also called: PULMONARY FIBROSIS AND/OR BONE MARROW FAILURE SYNDROME, TELOMERE-RELATED, 4. Identifiers: Orphanet 2032, MedGen C4225347, MONDO:0014612, OMIM 616371.

Allele frequency attached by ClinVar (database versions not stated): gnomAD exomes 0.00001; ExAC 0.00002; ESP Exome Variant Server 0.00008.
gnomAD v4.1: 18 of 1,595,280 alleles (0.0011%); highest among the groups gnomAD compares: South Asian, 0.0077%; no homozygotes.

Submission:

Labcorp Genetics (formerly Invitae), Labcorp
Classification: Uncertain significance for Dyskeratosis congenita, autosomal recessive 6; Pulmonary fibrosis and/or bone marrow failure, Telomere-related, 4. Last evaluated: 2023-09-30. Review status: criteria provided, single submitter. Criteria: Invitae Variant Classification Sherloc (09022015). Collection method: clinical testing. Allele origin: germline.
Comment: This sequence change replaces isoleucine, which is neutral and non-polar, with threonine, which is neutral and polar, at codon 113 of the PARN protein (p.Ile113Thr). This variant is present in population databases (rs376765477, gnomAD 0.006%). This variant has not been reported in the literature in individuals affected with PARN-related conditions. Advanced modeling of protein sequence and biophysical properties (such as structural, functional, and spatial information, amino acid conservation, physicochemical variation, residue mobility, and thermodynamic stability) performed at Invitae indicates that this missense variant is expected to disrupt PARN protein function. In summary, the available evidence is currently insufficient to determine the role of this variant in disease. Therefore, it has been classified as a Variant of Uncertain Significance.